The following is an entry in ClinVar:

NM_007294.4(BRCA1):c.1009G>T (p.Glu337Ter)

Gene: BRCA1 (BRCA1 DNA repair associated; minus strand). Cytogenetic location: 17q21.31.
Variant type: single nucleotide variant.
Coding change: c.1009G>T on transcript NM_007294.4 (MANE Select); coding-DNA position 1009, G replaced by T.
Protein change: p.Glu337Ter; replaces glutamic acid 337 with a stop codon.
Molecular consequence: nonsense. On other transcripts: intron variant (137).
Genome position (GRCh38, 1-based): chr17:43,094,522, C>A on the plus strand (G>T on the coding strand, the complement: BRCA1 is on the minus strand). VCF-style: chr17-43094522-C-A. GRCh37 (hg19) VCF-style: chr17-41246539-C-A.
Other names: c.796G>T, p.Glu266Ter (NM_001407571.1, NM_001407853.1, NM_001407894.1 and 9 more transcripts); c.1009G>T, p.Glu337Ter (NM_001407581.1, NM_001407582.1, NM_001407583.1 and 30 more transcripts); c.1006G>T, p.Glu336Ter (NM_001407587.1, NM_001407590.1, NM_001407591.1 and 22 more transcripts); c.1000G>T, p.Glu334Ter (NM_001407646.1, NM_001407647.1); c.886G>T, p.Glu296Ter (NM_001407648.1, NM_001407664.1, NM_001407665.1 and 19 more transcripts); c.883G>T, p.Glu295Ter (NM_001407649.1, NM_001407670.1, NM_001407671.1 and 11 more transcripts); c.931G>T, p.Glu311Ter (NM_001407653.1, NM_001407654.1, NM_001407655.1 and 4 more transcripts); c.928G>T, p.Glu310Ter (NM_001407659.1, NM_001407660.1, NM_001407661.1 and 1 more transcripts); and 40 more; short protein forms E290*, E337*, E209*, E267*, E289*, E334*, E169*, E210*.
Identifiers: ClinVar variation 1074684 (VCV001074684.10), dbSNP rs2054008789, ClinGen allele CA10600043.

ClinVar aggregate classification (germline): Pathogenic (1 of 4 stars; one submission).

Conditions:
Hereditary breast ovarian cancer syndrome. Also called: Hereditary breast and ovarian cancer; Breast and ovarian cancer; BRCA1- and BRCA2-Associated Hereditary Breast and Ovarian Cancer; Hereditary breast and/or ovarian cancer syndrome; Hereditary breast and ovarian cancer syndrome; Hereditary breast and ovarian cancer syndrome (HBOC). Identifiers: Orphanet 145, MedGen C0677776, MeSH D061325, MONDO:0003582. Disease mechanism: loss of function.

Submission:

Labcorp Genetics (formerly Invitae), Labcorp
Classification: Pathogenic for Hereditary breast ovarian cancer syndrome. Last evaluated: 2017-04-05. Review status: criteria provided, single submitter. Criteria: Invitae Variant Classification Sherloc (09022015). Collection method: clinical testing. Allele origin: germline.
Comment: This sequence change creates a premature translational stop signal at codon 337 (p.Glu337*) of the BRCA1 gene. It is expected to result in an absent or disrupted protein product. While this particular variant has not been reported in the literature, loss-of-function variants in BRCA1 are known to be pathogenic (PMID: 20104584). For these reasons, this variant has been classified as Pathogenic.

Literature cited by the submitters: PubMed 20104584.